The following is an entry in ClinVar:

ClinVar aggregate classification (germline): Benign (1 of 4 stars; one submission).

Conditions:
Familial cancer of breast. Also called: Hereditary breast cancer; BREAST CANCER, FAMILIAL; hereditary breast carcinoma. Identifiers: Orphanet 227535, MedGen C0346153, MONDO:0016419, OMIM 114480. Disease mechanism: loss of function.

Submission:

Myriad Genetics, Inc.
Classification: Benign for Familial cancer of breast. Last evaluated: 2024-10-08. Review status: criteria provided, single submitter. Criteria: Myriad Autosomal Dominant, Autosomal Recessive and X-Linked Classification Criteria (2023). Collection method: clinical testing. Allele origin: unknown.
Comment: This variant is considered benign. This variant is a silent/synonymous amino acid change and it is not expected to impact splicing.

NM_007194.4(CHEK2):c.1441T>C (p.Leu481=)

Gene: CHEK2 (checkpoint kinase 2; minus strand). Cytogenetic location: 22q12.1.
Variant type: single nucleotide variant.
Coding change: c.1441T>C on transcript NM_007194.4 (MANE Select); coding-DNA position 1441, T replaced by C.
Protein change: p.Leu481=; no amino-acid change (leucine 481 retained).
Molecular consequence: synonymous variant.
Genome position (GRCh38, 1-based): chr22:28,694,052, A>G on the plus strand (T>C on the coding strand, the complement: CHEK2 is on the minus strand). VCF-style: chr22-28694052-A-G. GRCh37 (hg19) VCF-style: chr22-29090040-A-G.
Other names: c.1570T>C, p.Leu524= (NM_001005735.3); c.778T>C, p.Leu260= (NM_001257387.3); c.1240T>C, p.Leu414= (NM_001349956.3); c.1354T>C, p.Leu452= (NM_145862.3).
Identifiers: ClinVar variation 3773618 (VCV003773618.1).
Genomic context (GRCh38, chr22:28,694,052, plus strand): 5'-CCCATGTATTTTATGCTAGCAGGCACTGTCCCACACCCACCTGAAGCCACGGGTGTCTTA[A>G]GGCTTCTTCTGTCGTAAAACGTGCCTTTGGATCCACTACCAACAACTTCTTGACAAGGTC-3'
Protein context (NP_009125.1, residues 471-491): PKARFTTEEA[Leu481=]RHPWLQDEDM